The following is an entry in ClinVar:

ClinVar aggregate classification (germline): Uncertain significance (1 of 4 stars; one submission).

Conditions:
DICER1-related tumor predisposition. Also called: DICER1-related pleuropulmonary blastoma cancer predisposition syndrome; DICER1 syndrome. Identifiers: Orphanet 284343, MedGen C3839822, MONDO:0100216.

Allele frequency attached by ClinVar (database versions not stated): gnomAD exomes below 0.00001.
gnomAD v4.1: 1 of 1,614,246 alleles (0.000062%); highest among the groups gnomAD compares: South Asian, 0.0011%; no homozygotes.

Submission:

Labcorp Genetics (formerly Invitae), Labcorp
Classification: Uncertain significance for DICER1-related tumor predisposition. Last evaluated: 2020-02-18. Review status: criteria provided, single submitter. Criteria: Invitae Variant Classification Sherloc (09022015). Collection method: clinical testing. Allele origin: germline.
Comment: This sequence change replaces lysine with glutamic acid at codon 1643 of the DICER1 protein (p.Lys1643Glu). The lysine residue is highly conserved and there is a small physicochemical difference between lysine and glutamic acid. This variant is not present in population databases (ExAC no frequency). This variant has not been reported in the literature in individuals with DICER1-related conditions. Algorithms developed to predict the effect of missense changes on protein structure and function output the following: SIFT: "Tolerated"; PolyPhen-2: "Benign"; Align-GVGD: "Class C0". The glutamic acid amino acid residue is found in multiple mammalian species, suggesting that this missense change does not adversely affect protein function. These predictions have not been confirmed by published functional studies and their clinical significance is uncertain. In summary, the available evidence is currently insufficient to determine the role of this variant in disease. Therefore, it has been classified as a Variant of Uncertain Significance.

NM_177438.3(DICER1):c.4927A>G (p.Lys1643Glu)

Gene: DICER1 (dicer 1, ribonuclease III; minus strand). Cytogenetic location: 14q32.13.
Variant type: single nucleotide variant.
Coding change: c.4927A>G on transcript NM_177438.3 (MANE Select); coding-DNA position 4927, A replaced by G.
Protein change: p.Lys1643Glu; replaces lysine 1643 with glutamic acid.
Molecular consequence: missense variant.
Genome position (GRCh38, 1-based): chr14:95,095,993, T>C on the plus strand (A>G on the coding strand, the complement: DICER1 is on the minus strand). VCF-style: chr14-95095993-T-C. GRCh37 (hg19) VCF-style: chr14-95562330-T-C.
Other names: c.4927A>G, p.Lys1643Glu (NM_001195573.1, NM_001271282.3, NM_001291628.2 and 1 more transcripts); short protein forms K1643E.
Identifiers: ClinVar variation 1052085 (VCV001052085.10), dbSNP rs991814398, ClinGen allele CA265897758.
Genomic context (GRCh38, chr14:95,095,993, plus strand): 5'-TAAGGTGATTCAGTGTTTTATCTGCATCTGGATGATCAAACATACATCTTGGTGGAATCT[T>C]CAAACAACCATATTCCGAGTCTTTCAATACAGAAGAGCGTGAACTGGCCACAGAAGCAGC-3'
Protein context (NP_803187.1, residues 1633-1653): VLKDSEYGCL[Lys1643Glu]IPPRCMFDHP